The following is an entry in ClinVar:

NM_000784.4(CYP27A1):c.343G>C (p.Glu115Gln)

Gene: CYP27A1 (cytochrome P450 family 27 subfamily A member 1; plus strand). Cytogenetic location: 2q35.
Variant type: single nucleotide variant.
Coding change: c.343G>C on transcript NM_000784.4 (MANE Select); coding-DNA position 343, G replaced by C.
Protein change: p.Glu115Gln; replaces glutamic acid 115 with glutamine.
Molecular consequence: missense variant.
Genome position (GRCh38, 1-based): chr2:218,809,664, G>C. VCF-style: chr2-218809664-G-C. GRCh37 (hg19) VCF-style: chr2-219674387-G-C.
Other names: short protein forms E115Q.
Identifiers: ClinVar variation 1472654 (VCV001472654.5), dbSNP rs1298533109, ClinGen allele CA350583317.

ClinVar aggregate classification (germline): Uncertain significance (1 of 4 stars; one submission).

Conditions:
Cholestanol storage disease (CTX). Also called: Cerebrotendinous Xanthomatosis; CEREBRAL CHOLESTERINOSIS; CTX: Cerebrotendinous xanthomatosis. Identifiers: Orphanet 909, MedGen C0238052, MONDO:0008948, OMIM 213700.

Allele frequency attached by ClinVar (database versions not stated): gnomAD exomes below 0.00001; gnomAD 0.00001; TOPMed 0.00001.
gnomAD v4.1: 2 of 1,614,010 alleles (0.00012%); highest among the groups gnomAD compares: Non-Finnish European, 0.00017%; no homozygotes.

Submission:

Labcorp Genetics (formerly Invitae), Labcorp
Classification: Uncertain significance for Cholestanol storage disease. Last evaluated: 2021-09-17. Review status: criteria provided, single submitter. Criteria: Invitae Variant Classification Sherloc (09022015). Collection method: clinical testing. Allele origin: germline.
Comment: This sequence change replaces glutamic acid with glutamine at codon 115 of the CYP27A1 protein (p.Glu115Gln). The glutamic acid residue is highly conserved and there is a small physicochemical difference between glutamic acid and glutamine. This variant is not present in population databases (ExAC no frequency). This variant has not been reported in the literature in individuals with CYP27A1-related conditions. Algorithms developed to predict the effect of missense changes on protein structure and function are either unavailable or do not agree on the potential impact of this missense change (SIFT: "Tolerated"; PolyPhen-2: "Probably Damaging"; Align-GVGD: "Class C0"). In summary, the available evidence is currently insufficient to determine the role of this variant in disease. Therefore, it has been classified as a Variant of Uncertain Significance.